The following is an entry in ClinVar:

ClinVar aggregate classification (germline): Likely pathogenic. Review status: criteria provided, multiple submitters, no conflicts (2 of 4 stars). 2 submissions from 2 submitters: Likely pathogenic (2). Last evaluated 2024-08-30.

Conditions:
ATM-related disorder. Also called: ATM-related disorders; ATM-related condition.
Ataxia-telangiectasia syndrome (AT). Also called: Cerebello-oculocutaneous telangiectasia; Immunodeficiency with ataxia telangiectasia; Ataxia telangiectasia (A-T); Ataxia-telangiectasia, complementation group D; AT, COMPLEMENTATION GROUP C; ATAXIA-TELANGIECTASIA, COMPLEMENTATION GROUP A. Identifiers: Orphanet 100, MedGen C0004135, MONDO:0008840, OMIM 208900.

Submissions (2):

Blueprint Genetics
Classification: Likely pathogenic for ATM-related disorders. Last evaluated: 2024-08-30. Review status: criteria provided, single submitter. Criteria: ACMG Guidelines, 2015. Collection method: clinical testing. Allele origin: germline. Affected: yes. Observed: 1 variant allele.

Labcorp Genetics (formerly Invitae), Labcorp
Classification: Likely pathogenic for Ataxia-telangiectasia syndrome. Last evaluated: 2024-04-30. Review status: criteria provided, single submitter. Criteria: Invitae Variant Classification Sherloc (09022015). Collection method: clinical testing. Allele origin: germline.
Comment: This sequence change replaces tryptophan, which is neutral and slightly polar, with serine, which is neutral and polar, at codon 412 of the ATM protein (p.Trp412Ser). RNA analysis indicates that this missense change induces altered splicing and may result in an absent or disrupted protein product. This variant is not present in population databases (gnomAD no frequency). This missense change has been observed in individual(s) with ataxia-telangiectasia (PMID: 12815592). ClinVar contains an entry for this variant (Variation ID: 1507188). An algorithm developed to predict the effect of missense changes on protein structure and function (PolyPhen-2) suggests that this variant is likely to be disruptive. Variants that disrupt the consensus splice site are a relatively common cause of aberrant splicing (PMID: 17576681, 9536098). Studies have shown that this missense change results in skipping of exon 9 and introduces a premature termination codon (Invitae). The resulting mRNA is expected to undergo nonsense-mediated decay. In summary, the currently available evidence indicates that the variant is pathogenic, but additional data are needed to prove that conclusively. Therefore, this variant has been classified as Likely Pathogenic.

Literature cited by the submitters: PubMed 12815592 (cited by Labcorp Genetics (formerly Invitae), Labcorp); PubMed 17576681 (cited by Labcorp Genetics (formerly Invitae), Labcorp); PubMed 9536098 (cited by Labcorp Genetics (formerly Invitae), Labcorp).

NM_000051.4(ATM):c.1235G>C (p.Trp412Ser)

Gene: ATM (ATM serine/threonine kinase; plus strand). Cytogenetic location: 11q22.3.
Variant type: single nucleotide variant.
Coding change: c.1235G>C on transcript NM_000051.4 (MANE Select); coding-DNA position 1235, G replaced by C.
Protein change: p.Trp412Ser; replaces tryptophan 412 with serine.
Molecular consequence: missense variant.
Genome position (GRCh38, 1-based): chr11:108,249,102, G>C. VCF-style: chr11-108249102-G-C. GRCh37 (hg19) VCF-style: chr11-108119829-G-C.
Other names: c.1235G>C, p.Trp412Ser (NM_001351834.2); short protein forms W412S.
Identifiers: ClinVar variation 1507188 (VCV001507188.9), dbSNP rs587779813, ClinGen allele CA382532665.